The following is an entry in ClinVar:

ClinVar aggregate classification (germline): Conflicting classifications of pathogenicity. Review status: criteria provided, conflicting classifications (1 of 4 stars). 4 submissions from 4 submitters: Uncertain significance (1); Likely benign (2). 1 of the submissions does not count toward it. Last evaluated 2026-01-07.

Conditions:
ERMARD-related disorder. Also called: ERMARD-related condition.

Allele frequency attached by ClinVar (database versions not stated): 1000 Genomes Project 0.00020; ESP Exome Variant Server 0.00023; 1000 Genomes Project 30x 0.00031; gnomAD 0.00031 and 0.00034; ExAC 0.00036; TOPMed 0.00037; gnomAD exomes 0.00040.
gnomAD v4.1: 483 of 1,614,258 alleles (0.03%); highest among the groups gnomAD compares: Middle Eastern, 0.38%; 2 homozygotes.

Submissions (4):

Labcorp Genetics (formerly Invitae), Labcorp
Classification: Likely benign. Last evaluated: 2026-01-07. Review status: criteria provided, single submitter. Criteria: Invitae Variant Classification Sherloc (09022015). Collection method: clinical testing. Allele origin: germline.

CeGaT Center for Human Genetics Tuebingen
Classification: Likely benign. Last evaluated: 2024-08-01. Review status: criteria provided, single submitter. Criteria: CeGaT Center For Human Genetics Tuebingen Variant Classification Criteria Version 2. Collection method: clinical testing. Allele origin: germline. Affected: yes. Observed: 2 variant alleles.
Comment: ERMARD: BP4, BS2

Ambry Genetics
Classification: Uncertain significance. Last evaluated: 2021-07-14. Review status: criteria provided, single submitter. Criteria: Ambry Variant Classification Scheme 2023. Collection method: clinical testing. Allele origin: germline.

PreventionGenetics, part of Exact Sciences
Classification: Benign for ERMARD-related condition. Last evaluated: 2020-05-15. Review status: no assertion criteria provided. Collection method: clinical testing. Allele origin: germline. Not counted in ClinVar's aggregate classification.
Comment: This variant is classified as benign based on ACMG/AMP sequence variant interpretation guidelines (Richards et al. 2015 PMID: 25741868, with internal and published modifications).

NM_018341.3(ERMARD):c.661T>A (p.Tyr221Asn)

Gene: ERMARD (ER membrane associated RNA degradation; plus strand). Cytogenetic location: 6q27.
Variant type: single nucleotide variant.
Coding change: c.661T>A on transcript NM_018341.3 (MANE Select); coding-DNA position 661, T replaced by A.
Protein change: p.Tyr221Asn; replaces tyrosine 221 with asparagine.
Molecular consequence: missense variant.
Genome position (GRCh38, 1-based): chr6:169,759,893, T>A. VCF-style: chr6-169759893-T-A. GRCh37 (hg19) VCF-style: chr6-170159989-T-A.
Other names: c.661T>A, p.Tyr221Asn (NM_001278531.2, NM_001278533.2); c.283T>A, p.Tyr95Asn (NM_001278532.2); c.661T>A (NM_018341.1); short protein forms Y95N, Y221N.
Identifiers: ClinVar variation 726245 (VCV000726245.29), dbSNP rs146747272, ClinGen allele CA4105942.